The following is an entry in ClinVar:

NM_001374828.1(ARID1B):c.4375del (p.Asp1459fs)

Gene: ARID1B (AT-rich interaction domain 1B; plus strand). Cytogenetic location: 6q25.3.
Variant type: Deletion.
Coding change: c.4375del on transcript NM_001374828.1 (MANE Select); coding-DNA position 4375, one base deleted (G; older notation c.4375delG).
Protein change: p.Asp1459fs; shifts the reading frame from aspartic acid 1459.
Molecular consequence: frameshift variant.
Genome position (GRCh38, 1-based): chr6:157,196,308, G deleted. VCF-style (leftmost placement, unchanged base first): chr6-157196307-CG-C. GRCh37 (hg19) VCF-style: chr6-157517441-CG-C.
Other names: c.1876del, p.Asp626fs (NM_001363725.2); c.4255del, p.Asp1419fs (NM_001371656.1, NM_001374820.1); c.4216del, p.Asp1406fs (NM_017519.3); short protein forms D1406fs, D1419fs, D1459fs, D626fs.
Identifiers: ClinVar variation 3901077 (VCV003901077.1).

ClinVar aggregate classification (germline): Likely pathogenic (1 of 4 stars; one submission).

Conditions:
Coffin-Siris syndrome 1 (CSS1). Also called: Mental retardation, autosomal dominant 12; ARID1B-Related Coffin-Siris Syndrome. Identifiers: Orphanet 1465, MedGen C3281201, MONDO:0007617, OMIM 135900. Disease mechanism: gain of function.

Submission:

Laboratorio de Genetica e Diagnostico Molecular, Hospital Israelita Albert Einstein
Classification: Likely pathogenic for Coffin-Siris syndrome 1. Last evaluated: 2023-09-19. Review status: criteria provided, single submitter. Criteria: ACMG Guidelines, 2015. Collection method: clinical testing. Allele origin: germline. Affected: yes.
Comment: ACMG classification criteria: PVS1 very strong, PM2 moderate